The following is an entry in ClinVar:

NM_000051.4(ATM):c.8578_8579delinsAT (p.Ser2860Ile)

Genes: ATM (ATM serine/threonine kinase; plus strand), C11orf65 (chromosome 11 open reading frame 65; minus strand). Cytogenetic location: 11q22.3.
Variant type: Indel.
Coding change: c.8578_8579delinsAT on transcript NM_000051.4 (MANE Select); coding-DNA positions 8578 to 8579, TC replaced by AT.
Protein change: p.Ser2860Ile; replaces serine 2860 with isoleucine.
Molecular consequence: missense variant. On other transcripts: intron variant (2).
Genome position (GRCh38, 1-based): chr11:108,345,902-108,345,903, TC replaced by AT. VCF-style: chr11-108345902-TC-AT. GRCh37 (hg19) VCF-style: chr11-108216629-TC-AT.
Other names: c.8578_8579delinsAT, p.Ser2860Ile (NM_001351834.2); c.641-36832_641-36831delinsAT (NM_001330368.2); c.695-10611_695-10610delinsAT (NM_001351110.2); short protein forms S2860I.
Identifiers: ClinVar variation 2809195 (VCV002809195.3), dbSNP rs2547446447, ClinGen allele CA2739266031.

ClinVar aggregate classification (germline): Uncertain significance (1 of 4 stars; one submission).

Conditions:
Ataxia-telangiectasia syndrome (AT). Also called: LOUIS-BAR SYNDROME; Cerebello-oculocutaneous telangiectasia; Immunodeficiency with ataxia telangiectasia; Ataxia telangiectasia (A-T); Ataxia-telangiectasia, complementation group D; AT, COMPLEMENTATION GROUP C. Identifiers: Orphanet 100, MedGen C0004135, MONDO:0008840, OMIM 208900.

Submission:

Labcorp Genetics (formerly Invitae), Labcorp
Classification: Uncertain significance for Ataxia-telangiectasia syndrome. Last evaluated: 2022-10-28. Review status: criteria provided, single submitter. Criteria: Invitae Variant Classification Sherloc (09022015). Collection method: clinical testing. Allele origin: germline.
Comment: In summary, the available evidence is currently insufficient to determine the role of this variant in disease. Therefore, it has been classified as a Variant of Uncertain Significance. Algorithms developed to predict the effect of missense changes on protein structure and function are either unavailable or do not agree on the potential impact of this missense change (SIFT: "Not Available"; PolyPhen-2: "Probably Damaging"; Align-GVGD: "Not Available"). This variant has not been reported in the literature in individuals affected with ATM-related conditions. Information on the frequency of this variant in the gnomAD database is not available, as this variant may be reported differently in the database. This sequence change replaces serine, which is neutral and polar, with isoleucine, which is neutral and non-polar, at codon 2860 of the ATM protein (p.Ser2860Ile).